The following is an entry in ClinVar:

NM_144687.4(NLRP12):c.1352G>A (p.Arg451His)

Gene: NLRP12 (NLR family pyrin domain containing 12; minus strand). Cytogenetic location: 19q13.42.
Variant type: single nucleotide variant.
Coding change: c.1352G>A on transcript NM_144687.4 (MANE Select); coding-DNA position 1352, G replaced by A.
Protein change: p.Arg451His; replaces arginine 451 with histidine.
Molecular consequence: missense variant.
Genome position (GRCh38, 1-based): chr19:53,810,307, C>T on the plus strand (G>A on the coding strand, the complement: NLRP12 is on the minus strand). VCF-style: chr19-53810307-C-T. GRCh37 (hg19) VCF-style: chr19-54313561-C-T.
Other names: c.1352G>A, p.Arg451His (NM_001277126.2, NM_001277129.1); short protein forms R451H.
Identifiers: ClinVar variation 536945 (VCV000536945.54), dbSNP rs76085152, ClinGen allele CA9639442.

ClinVar aggregate classification (germline): Benign/Likely benign. Review status: criteria provided, multiple submitters, no conflicts (2 of 4 stars). 6 submissions from 6 submitters: Benign (2); Likely benign (4). Last evaluated 2026-01-01.

Conditions:
Familial cold autoinflammatory syndrome 2 (FCAS2). Identifiers: Orphanet 247868, MedGen C2673198, MONDO:0012724, OMIM 611762.
Autoinflammatory syndrome. Identifiers: Orphanet 93665, MedGen C3890737, MONDO:0019751.

Allele frequency attached by ClinVar (database versions not stated): gnomAD exomes 0.00021 and 0.00051; ExAC 0.00067; gnomAD 0.00182 and 0.00188; TOPMed 0.00224; ESP Exome Variant Server 0.00238; 1000 Genomes Project 30x 0.00328; 1000 Genomes Project 0.00379.
gnomAD v4.1: 640 of 1,613,804 alleles (0.04%); highest among the groups gnomAD compares: African/African-American, 0.69%; 3 homozygotes.

Submissions (6):

Labcorp Genetics (formerly Invitae), Labcorp
Classification: Benign for Familial cold autoinflammatory syndrome 2. Last evaluated: 2026-01-01. Review status: criteria provided, single submitter. Criteria: Invitae Variant Classification Sherloc (09022015). Collection method: clinical testing. Allele origin: germline.

ARUP Laboratories, Molecular Genetics and Genomics, ARUP Laboratories
Classification: Benign for Familial cold autoinflammatory syndrome 2. Last evaluated: 2025-06-04. Review status: criteria provided, single submitter. Criteria: ARUP Molecular Germline Variant Investigation Process 2024. Collection method: clinical testing. Allele origin: germline.

Blueprint Genetics
Classification: Likely benign. Last evaluated: 2024-11-14. Review status: criteria provided, single submitter. Criteria: ACMG Guidelines, 2015. Collection method: clinical testing. Allele origin: germline.

CeGaT Center for Human Genetics Tuebingen
Classification: Likely benign. Last evaluated: 2023-06-01. Review status: criteria provided, single submitter. Criteria: CeGaT Center For Human Genetics Tuebingen Variant Classification Criteria Version 2. Collection method: clinical testing. Allele origin: germline. Affected: yes. Observed: 1 variant allele.
Comment: NLRP12: BP4, BS1

Genome Diagnostics Laboratory, The Hospital for Sick Children
Classification: Likely benign for Autoinflammatory syndrome. Last evaluated: 2021-01-21. Review status: criteria provided, single submitter. Criteria: ACMG Guidelines, 2015. Collection method: clinical testing. Allele origin: germline. Affected: yes.

Breakthrough Genomics
Classification: Likely benign. Review status: criteria provided, single submitter. Criteria: ACMG Guidelines, 2015. Collection method: not provided. Allele origin: germline. Inheritance: Autosomal dominant inheritance. Affected: yes.